The following is an entry in ClinVar:

ClinVar aggregate classification (germline): Conflicting classifications of pathogenicity. Review status: criteria provided, conflicting classifications (1 of 4 stars). 4 submissions from 4 submitters: Uncertain significance (3); Benign (1). Last evaluated 2025-12-30.

Conditions:
Autosomal dominant nonsyndromic hearing loss 4A. Also called: Deafness, autosomal dominant 4A. Identifiers: Orphanet 90635, MedGen C1833503, MONDO:0010915, OMIM 600652.

Allele frequency attached by ClinVar (database versions not stated): ExAC 0.00008; gnomAD exomes 0.00009 and 0.00021; TOPMed 0.00011; gnomAD 0.00014 and 0.00015; ESP Exome Variant Server 0.00024.
gnomAD v4.1: 161 of 1,613,272 alleles (0.01%); highest among the groups gnomAD compares: Non-Finnish European, 0.0022%; no homozygotes.

Submissions (4):

Labcorp Genetics (formerly Invitae), Labcorp
Classification: Benign. Last evaluated: 2025-12-30. Review status: criteria provided, single submitter. Criteria: Invitae Variant Classification Sherloc (09022015). Collection method: clinical testing. Allele origin: germline.

Women's Health and Genetics/Laboratory Corporation of America, LabCorp
Classification: Uncertain significance. Last evaluated: 2024-09-20. Review status: criteria provided, single submitter. Criteria: LabCorp Variant Classification Summary - May 2015. Collection method: clinical testing. Allele origin: germline.
Comment: Variant summary: MYH14 c.560A>G (p.Gln187Arg) results in a conservative amino acid change located in the Myosin head, motor domain (IPR001609) of the encoded protein sequence. Four of five in-silico tools predict a benign effect of the variant on protein function. The variant allele was found at a frequency of 0.00021 in 247772 control chromosomes. This frequency is not significantly higher than estimated for a pathogenic variant in MYH14 causing Deafness, Autosomal Dominant 4, allowing no conclusion about variant significance. To our knowledge, no occurrence of c.560A>G in individuals affected with Deafness, Autosomal Dominant 4 and no experimental evidence demonstrating its impact on protein function have been reported. ClinVar contains an entry for this variant (Variation ID: 893565). Based on the evidence outlined above, the variant was classified as uncertain significance.

GeneDx
Classification: Uncertain significance. Last evaluated: 2024-04-02. Review status: criteria provided, single submitter. Criteria: GeneDx Variant Classification Process June 2021. Collection method: clinical testing. Allele origin: germline. Affected: yes.
Comment: In silico analysis supports that this missense variant has a deleterious effect on protein structure/function; Has not been previously published as pathogenic or benign to our knowledge

Illumina Laboratory Services, Illumina
Classification: Uncertain significance for Autosomal dominant nonsyndromic hearing loss 4A. Last evaluated: 2018-03-16. Review status: criteria provided, single submitter. Criteria: ICSL Variant Classification Criteria 13 December 2019. Collection method: clinical testing. Allele origin: germline.

NM_001145809.2(MYH14):c.560A>G (p.Gln187Arg)

Gene: MYH14 (myosin heavy chain 14; plus strand). Cytogenetic location: 19q13.33.
Variant type: single nucleotide variant.
Coding change: c.560A>G on transcript NM_001145809.2 (MANE Select); coding-DNA position 560, A replaced by G.
Protein change: p.Gln187Arg; replaces glutamine 187 with arginine.
Molecular consequence: missense variant.
Genome position (GRCh38, 1-based): chr19:50,217,769, A>G. VCF-style: chr19-50217769-A-G. GRCh37 (hg19) VCF-style: chr19-50721026-A-G.
Other names: c.560A>G, p.Gln187Arg (NM_001077186.2, NM_024729.4); short protein forms Q187R.
Identifiers: ClinVar variation 893565 (VCV000893565.15), dbSNP rs199583971, ClinGen allele CA9592288.